The following is an entry in ClinVar:

NM_001080517.3(SETD5):c.3781C>G (p.Pro1261Ala)

Gene: SETD5 (SET domain containing 5; plus strand). Cytogenetic location: 3p25.3.
Variant type: single nucleotide variant.
Coding change: c.3781C>G on transcript NM_001080517.3 (MANE Select); coding-DNA position 3781, C replaced by G.
Protein change: p.Pro1261Ala; replaces proline 1261 with alanine.
Molecular consequence: missense variant.
Genome position (GRCh38, 1-based): chr3:9,475,543, C>G. VCF-style: chr3-9475543-C-G. GRCh37 (hg19) VCF-style: chr3-9517227-C-G.
Other names: c.3487C>G, p.Pro1163Ala (NM_001292043.2, NM_001349451.2); short protein forms P1163A, P1261A.
Identifiers: ClinVar variation 1802036 (VCV001802036.1), dbSNP rs1174149257, ClinGen allele CA351690948.

ClinVar aggregate classification (germline): Uncertain significance (1 of 4 stars; one submission).

gnomAD v4.1: 1 of 1,613,960 alleles (0.000062%); no homozygotes.

Submission:

GeneDx
Classification: Uncertain significance. Last evaluated: 2022-06-03. Review status: criteria provided, single submitter. Criteria: GeneDx Variant Classification Process June 2021. Collection method: clinical testing. Allele origin: germline. Affected: yes.
Comment: Not observed at significant frequency in large population cohorts (gnomAD); In silico analysis supports that this missense variant has a deleterious effect on protein structure/function; Has not been previously published as pathogenic or benign to our knowledge